The following is an entry in ClinVar:

NM_000465.4(BARD1):c.501T>A (p.Pro167=)

Gene: BARD1 (BRCA1 associated RING domain 1; minus strand). Cytogenetic location: 2q35.
Variant type: single nucleotide variant.
Coding change: c.501T>A on transcript NM_000465.4 (MANE Select); coding-DNA position 501, T replaced by A.
Protein change: p.Pro167=; no amino-acid change (proline 167 retained).
Molecular consequence: synonymous variant. On other transcripts: non-coding transcript variant (2), intron variant (3).
Genome position (GRCh38, 1-based): chr2:214,781,373, A>T on the plus strand (T>A on the coding strand, the complement: BARD1 is on the minus strand). VCF-style: chr2-214781373-A-T. GRCh37 (hg19) VCF-style: chr2-215646097-A-T.
Other names: c.444T>A, p.Pro148= (NM_001282543.2); c.158+28039T>A (NM_001282548.2); c.215+15688T>A (NM_001282545.2); c.364+10924T>A (NM_001282549.2).
Identifiers: ClinVar variation 825378 (VCV000825378.15), dbSNP rs1574821214, ClinGen allele CA431135745.

ClinVar aggregate classification (germline): Benign/Likely benign. Review status: criteria provided, multiple submitters, no conflicts (2 of 4 stars). 3 submissions from 3 submitters: Benign (1); Likely benign (2). Last evaluated 2024-07-22.

Conditions:
Familial cancer of breast. Also called: BREAST CANCER, FAMILIAL; Hereditary breast cancer; hereditary breast carcinoma. Identifiers: Orphanet 227535, MedGen C0346153, MONDO:0016419, OMIM 114480. Disease mechanism: loss of function.
Hereditary cancer-predisposing syndrome. Also called: Neoplastic Syndromes, Hereditary; Tumor predisposition; Hereditary neoplastic syndrome; Hereditary Cancer Syndrome. Identifiers: Orphanet 140162, MedGen C0027672, MeSH D009386, MONDO:0015356.

gnomAD v4.1: 1 of 1,613,714 alleles (0.000062%); highest among the groups gnomAD compares: Non-Finnish European, 0.000085%; no homozygotes.

Submissions (3):

Myriad Genetics, Inc.
Classification: Benign for Familial cancer of breast. Last evaluated: 2024-07-22. Review status: criteria provided, single submitter. Criteria: Myriad Autosomal Dominant, Autosomal Recessive and X-Linked Classification Criteria (2023). Collection method: clinical testing. Allele origin: unknown.
Comment: This variant is considered benign. This variant is a silent/synonymous amino acid change and it is not expected to impact splicing.

Labcorp Genetics (formerly Invitae), Labcorp
Classification: Likely benign for Familial cancer of breast. Last evaluated: 2024-04-27. Review status: criteria provided, single submitter. Criteria: Invitae Variant Classification Sherloc (09022015). Collection method: clinical testing. Allele origin: germline.

Ambry Genetics
Classification: Likely benign for Hereditary cancer-predisposing syndrome. Last evaluated: 2019-02-01. Review status: criteria provided, single submitter. Criteria: Ambry Variant Classification Scheme 2023. Collection method: clinical testing. Allele origin: germline.